The following is an entry in ClinVar:

ClinVar aggregate classification (germline): Likely benign (1 of 4 stars; one submission).

Allele frequency attached by ClinVar (database versions not stated): ExAC 0.00001; gnomAD exomes 0.00001; TOPMed 0.00001; gnomAD 0.00004.

Submission:

CeGaT Center for Human Genetics Tuebingen
Classification: Likely benign. Last evaluated: 2022-08-01. Review status: criteria provided, single submitter. Criteria: CeGaT Center For Human Genetics Tuebingen Variant Classification Criteria Version 2. Collection method: clinical testing. Allele origin: germline. Affected: yes. Observed: 1 variant allele.
Comment: MAGEH1: BP4, BP7

NM_014061.5(MAGEH1):c.204C>T (p.Ala68=)

Genes: MAGEH1 (MAGE family member H1; plus strand), LOC130068330 (ATAC-STARR-seq lymphoblastoid active region 29678; plus strand). Cytogenetic location: Xp11.21.
Variant type: single nucleotide variant.
Coding change: c.204C>T on transcript NM_014061.5 (MANE Select); coding-DNA position 204, C replaced by T.
Protein change: p.Ala68=; no amino-acid change (alanine 68 retained).
Molecular consequence: synonymous variant.
Genome position (GRCh38, 1-based): chrX:55,452,578, C>T. VCF-style: chrX-55452578-C-T. GRCh37 (hg19) VCF-style: chrX-55479011-C-T.
Identifiers: ClinVar variation 2660696 (VCV002660696.24), dbSNP rs774518001, ClinGen allele CA10429122.